The following is an entry in ClinVar:

NM_017514.5(PLXNA3):c.3201+8C>T

Gene: PLXNA3 (plexin A3; plus strand). Cytogenetic location: Xq28.
Variant type: single nucleotide variant.
Coding change: c.3201+8C>T on transcript NM_017514.5 (MANE Select); 8 bases into the intron after coding-DNA position 3201, C replaced by T.
Molecular consequence: intron variant.
Genome position (GRCh38, 1-based): chrX:154,467,158, C>T. VCF-style: chrX-154467158-C-T. GRCh37 (hg19) VCF-style: chrX-153695501-C-T.
Identifiers: ClinVar variation 4999047 (VCV004999047.1).

ClinVar aggregate classification (germline): Likely benign (1 of 4 stars; one submission).

Conditions:
PLXNA3-related disorder. Also called: PLXNA3-related condition.

gnomAD v4.1: 1 of 1,208,437 alleles (0.000083%); highest among the groups gnomAD compares: Non-Finnish European, 0.00011%; no homozygotes.

Submission:

PreventionGenetics, part of Exact Sciences
Classification: Likely benign for PLXNA3-related condition. Last evaluated: 2025-04-25. Review status: criteria provided, single submitter. Criteria: ACMG Guidelines, 2015. Collection method: clinical testing. Allele origin: germline.
Comment: This variant is classified as likely benign based on ACMG/AMP sequence variant interpretation guidelines (Richards et al. 2015 PMID: 25741868, with internal and published modifications).